The following is an entry in ClinVar:

ClinVar aggregate classification (germline): Conflicting classifications of pathogenicity. Review status: criteria provided, conflicting classifications (1 of 4 stars). 4 submissions from 4 submitters: Uncertain significance (3); Likely benign (1). Last evaluated 2026-01-02.

Conditions:
Glycogen storage disease due to phosphoglycerate kinase 1 deficiency. Also called: PGK1 DEFICIENCY; PHOSPHOGLYCERATE KINASE 1 DEFICIENCY WITH LEVO-DOPA-RESPONSIVE PARKINSONISM. Identifiers: Orphanet 713, MedGen C1970848, MONDO:0010392, OMIM 300653.

Allele frequency attached by ClinVar (database versions not stated): gnomAD 0.00001; ExAC 0.00002; ESP Exome Variant Server 0.00009; TOPMed 0.00001; gnomAD exomes 0.00003.
gnomAD v4.1: 34 of 1,204,923 alleles (0.0028%); highest among the groups gnomAD compares: Non-Finnish European, 0.0038%; no homozygotes.

Submissions (4):

Labcorp Genetics (formerly Invitae), Labcorp
Classification: Uncertain significance. Last evaluated: 2026-01-02. Review status: criteria provided, single submitter. Criteria: Invitae Variant Classification Sherloc (09022015). Collection method: clinical testing. Allele origin: germline.
Comment: This sequence change replaces proline, which is neutral and non-polar, with leucine, which is neutral and non-polar, at codon 182 of the PGK1 protein (p.Pro182Leu). This variant is present in population databases (rs377001714, gnomAD 0.003%). This variant has not been reported in the literature in individuals affected with PGK1-related conditions. ClinVar contains an entry for this variant (Variation ID: 2573046). Invitae Evidence Modeling of protein sequence and biophysical properties (such as structural, functional, and spatial information, amino acid conservation, physicochemical variation, residue mobility, and thermodynamic stability) indicates that this missense variant is not expected to disrupt PGK1 protein function with a negative predictive value of 80%. In summary, the available evidence is currently insufficient to determine the role of this variant in disease. Therefore, it has been classified as a Variant of Uncertain Significance.

Fulgent Genetics
Classification: Likely benign for Glycogen storage disease due to phosphoglycerate kinase 1 deficiency. Last evaluated: 2024-05-24. Review status: criteria provided, single submitter. Criteria: ACMG Guidelines, 2015. Collection method: clinical testing. Allele origin: germline.

Women's Health and Genetics/Laboratory Corporation of America, LabCorp
Classification: Uncertain significance. Last evaluated: 2024-01-04. Review status: criteria provided, single submitter. Criteria: LabCorp Variant Classification Summary - May 2015. Collection method: clinical testing. Allele origin: germline.
Comment: Variant summary: PGK1 c.545C>T (p.Pro182Leu) results in a non-conservative amino acid change in the encoded protein sequence. Five of five in-silico tools predict a damaging effect of the variant on protein function. The variant allele was found at a frequency of 1.1e-05 in 183361 control chromosomes (gnomAD). The available data on variant occurrences in the general population are insufficient to allow any conclusion about variant significance. To our knowledge, no occurrence of c.545C>T in individuals affected with Glycogen Storage Disease Due To Phosphoglycerate Kinase 1 Deficiency and no experimental evidence demonstrating its impact on protein function have been reported. ClinVar contains an entry for this variant (Variation ID: 2573046). Based on the evidence outlined above, the variant was classified as uncertain significance.

MVZ Martinsried, Medicover Genetics
Classification: Uncertain significance for Glycogen storage disease due to phosphoglycerate kinase 1 deficiency. Last evaluated: 2023-03-30. Review status: criteria provided, single submitter. Criteria: ACGS Guidelines, 2020. Collection method: clinical testing. Allele origin: inherited. Affected: yes.

NM_000291.4(PGK1):c.545C>T (p.Pro182Leu)

Gene: PGK1 (phosphoglycerate kinase 1; plus strand). Cytogenetic location: Xq21.1.
Variant type: single nucleotide variant.
Coding change: c.545C>T on transcript NM_000291.4 (MANE Select); coding-DNA position 545, C replaced by T.
Protein change: p.Pro182Leu; replaces proline 182 with leucine.
Molecular consequence: missense variant.
Genome position (GRCh38, 1-based): chrX:78,118,074, C>T. VCF-style: chrX-78118074-C-T. GRCh37 (hg19) VCF-style: chrX-77373571-C-T.
Other names: short protein forms P182L.
Identifiers: ClinVar variation 2573046 (VCV002573046.5), dbSNP rs377001714, ClinGen allele CA10459730.
Genomic context (GRCh38, chrX:78,118,074, plus strand): 5'-GATTGACTAGAATCTGAATGTCTTTGATCTTTTCTAGCTCCATGGTAGGAGTCAATCTGC[C>T]ACAGAAGGCTGGTGGGTTTTTGATGAAGAAGGAGCTGAACTACTTTGCAAAGGCCTTGGA-3'
Protein context (NP_000282.1, residues 172-192): AHSSMVGVNL[Pro182Leu]QKAGGFLMKK